The following is an entry in ClinVar:

NM_017514.5(PLXNA3):c.3017A>G (p.Asp1006Gly)

Gene: PLXNA3 (plexin A3; plus strand). Cytogenetic location: Xq28.
Variant type: single nucleotide variant.
Coding change: c.3017A>G on transcript NM_017514.5 (MANE Select); coding-DNA position 3017, A replaced by G.
Protein change: p.Asp1006Gly; replaces aspartic acid 1006 with glycine.
Molecular consequence: missense variant.
Genome position (GRCh38, 1-based): chrX:154,466,703, A>G. VCF-style: chrX-154466703-A-G. GRCh37 (hg19) VCF-style: chrX-153695046-A-G.
Other names: short protein forms D1006G.
Identifiers: ClinVar variation 4140128 (VCV004140128.2).
Genomic context (GRCh38, chrX:154,466,703, plus strand): 5'-TGTGCATCTCACCTCTCTCCACCCTGGGCCCCAGCCAGGCCCCCATCACACTTGCCATTG[A>G]CCGGGCTAACATCTCCAGCCCCGGGCTCATCTACACCTACACTCAGGACCCCACCGTCAC-3'
Protein context (NP_059984.3, residues 996-1016): PSQAPITLAI[Asp1006Gly]RANISSPGLI

ClinVar aggregate classification (germline): Uncertain significance. Review status: criteria provided, multiple submitters, no conflicts (2 of 4 stars). 2 submissions from 2 submitters: Uncertain significance (2). Last evaluated 2025-07-15.

Conditions:
PLXNA3-related disorder. Also called: PLXNA3-related condition.

gnomAD v4.1: 1 of 1,198,636 alleles (0.000083%); highest among the groups gnomAD compares: South Asian, 0.0018%; no homozygotes.

Submissions (2):

Ambry Genetics
Classification: Uncertain significance. Last evaluated: 2025-07-15. Review status: criteria provided, single submitter. Criteria: Ambry Variant Classification Scheme 2023. Collection method: clinical testing. Allele origin: germline.

PreventionGenetics, part of Exact Sciences
Classification: Uncertain significance for PLXNA3-related condition. Last evaluated: 2025-06-11. Review status: criteria provided, single submitter. Criteria: ACMG Guidelines, 2015. Collection method: clinical testing. Allele origin: germline.
Comment: The PLXNA3 c.3017A>G variant is predicted to result in the amino acid substitution p.Asp1006Gly. To our knowledge, this variant has not been reported in the literature or in a large population database (gnomAD), indicating this variant is rare. At this time, the clinical significance of this variant is uncertain due to the absence of conclusive functional and genetic evidence.